The following is an entry in ClinVar:

NM_000121.4(EPOR):c.233G>C (p.Ser78Thr)

Gene: EPOR (erythropoietin receptor; minus strand). Cytogenetic location: 19p13.2.
Variant type: single nucleotide variant.
Coding change: c.233G>C on transcript NM_000121.4 (MANE Select); coding-DNA position 233, G replaced by C.
Protein change: p.Ser78Thr; replaces serine 78 with threonine.
Molecular consequence: missense variant. On other transcripts: non-coding transcript variant (1).
Genome position (GRCh38, 1-based): chr19:11,383,115, C>G on the plus strand (G>C on the coding strand, the complement: EPOR is on the minus strand). VCF-style: chr19-11383115-C-G. GRCh37 (hg19) VCF-style: chr19-11493791-C-G.
Other names: short protein forms S78T.
Identifiers: ClinVar variation 741068 (VCV000741068.4), dbSNP rs140267472, ClinGen allele CA9210877.

ClinVar aggregate classification (germline): Likely benign. Review status: criteria provided, multiple submitters, no conflicts (2 of 4 stars). 2 submissions from 2 submitters: Likely benign (2). Last evaluated 2025-09-16.

Allele frequency attached by ClinVar (database versions not stated): ESP Exome Variant Server 0.00138; 1000 Genomes Project 0.00200; 1000 Genomes Project 30x 0.00203; gnomAD exomes 0.00004 and 0.00019; ExAC 0.00032; gnomAD 0.00058 and 0.00060; TOPMed 0.00066.
gnomAD v4.1: 152 of 1,613,752 alleles (0.0094%); highest among the groups gnomAD compares: African/African-American, 0.18%; no homozygotes.

Submissions (2):

Women's Health and Genetics/Laboratory Corporation of America, LabCorp
Classification: Likely benign. Last evaluated: 2025-09-16. Review status: criteria provided, single submitter. Criteria: LabCorp Variant Classification Summary - May 2015. Collection method: clinical testing. Allele origin: germline.
Comment: Variant summary: EPOR c.233G>C (p.Ser78Thr) results in a conservative amino acid change in the encoded protein sequence. Algorithms developed to predict the effect of missense changes on protein structure and function are either unavailable or do not agree on the potential impact of this missense change. The variant allele was found at a frequency of 0.00019 in 250586 control chromosomes, predominantly at a frequency of 0.0025 within the African or African-American subpopulation in the gnomAD database. The observed variant frequency within African or African-American control individuals in the gnomAD database exceeds the estimated maximal expected allele frequency for disease-causing variants in EPOR. To our knowledge, no occurrence of c.233G>C in individuals affected with EPOR-related conditions and no experimental evidence demonstrating its impact on protein function have been reported. ClinVar contains an entry for this variant (Variation ID: 741068). Based on the evidence outlined above, the variant was classified as likely benign.

Labcorp Genetics (formerly Invitae), Labcorp
Classification: Likely benign. Last evaluated: 2018-04-24. Review status: criteria provided, single submitter. Criteria: Invitae Variant Classification Sherloc (09022015). Collection method: clinical testing. Allele origin: germline.